The following is an entry in ClinVar:

NM_014795.4(ZEB2):c.785C>T (p.Thr262Ile)

Gene: ZEB2 (zinc finger E-box binding homeobox 2; minus strand). Cytogenetic location: 2q22.3.
Variant type: single nucleotide variant.
Coding change: c.785C>T on transcript NM_014795.4 (MANE Select); coding-DNA position 785, C replaced by T.
Protein change: p.Thr262Ile; replaces threonine 262 with isoleucine.
Molecular consequence: missense variant.
Genome position (GRCh38, 1-based): chr2:144,403,938, G>A on the plus strand (C>T on the coding strand, the complement: ZEB2 is on the minus strand). VCF-style: chr2-144403938-G-A. GRCh37 (hg19) VCF-style: chr2-145161505-G-A.
Other names: c.713C>T, p.Thr238Ile (NM_001171653.2); short protein forms T262I, T238I.
Identifiers: ClinVar variation 844344 (VCV000844344.9), dbSNP rs1703346853, ClinGen allele CA348714595.

ClinVar aggregate classification (germline): Uncertain significance (1 of 4 stars; one submission).

Conditions:
Mowat-Wilson syndrome (MOWS). Also called: Classic Mowat-Wilson Syndrome. Identifiers: Orphanet 2152, MedGen C1856113, MONDO:0009341, OMIM 235730.

Allele frequency attached by ClinVar (database versions not stated): gnomAD exomes below 0.00001.
gnomAD v4.1: 1 of 1,614,178 alleles (0.000062%); highest among the groups gnomAD compares: Middle Eastern, 0.016%; no homozygotes.

Submission:

Labcorp Genetics (formerly Invitae), Labcorp
Classification: Uncertain significance for Mowat-Wilson syndrome. Last evaluated: 2019-03-30. Review status: criteria provided, single submitter. Criteria: Invitae Variant Classification Sherloc (09022015). Collection method: clinical testing. Allele origin: germline.
Comment: This variant has not been reported in the literature in individuals with ZEB2-related conditions. In summary, the available evidence is currently insufficient to determine the role of this variant in disease. Therefore, it has been classified as a Variant of Uncertain Significance. Algorithms developed to predict the effect of missense changes on protein structure and function are either unavailable or do not agree on the potential impact of this missense change (SIFT: "Deleterious"; PolyPhen-2: "Probably Damaging"; Align-GVGD: "Class C0"). This variant is not present in population databases (ExAC no frequency). This sequence change replaces threonine with isoleucine at codon 262 of the ZEB2 protein (p.Thr262Ile). The threonine residue is highly conserved and there is a moderate physicochemical difference between threonine and isoleucine.